The following is an entry in ClinVar:

NM_001999.4(FBN2):c.4102G>T (p.Val1368Leu)

Gene: FBN2 (fibrillin 2; minus strand). Cytogenetic location: 5q23.3.
Variant type: single nucleotide variant.
Coding change: c.4102G>T on transcript NM_001999.4 (MANE Select); coding-DNA position 4102, G replaced by T.
Protein change: p.Val1368Leu; replaces valine 1368 with leucine.
Molecular consequence: missense variant.
Genome position (GRCh38, 1-based): chr5:128,333,032, C>A on the plus strand (G>T on the coding strand, the complement: FBN2 is on the minus strand). VCF-style: chr5-128333032-C-A. GRCh37 (hg19) VCF-style: chr5-127668724-C-A.
Other names: short protein forms V1368L.
Identifiers: ClinVar variation 4722306 (VCV004722306.1).
Genomic context (GRCh38, chr5:128,333,032, plus strand): 5'-GGATATTCAGACATGAGGCATGCATGTCGCAGTTATGAGCACCAATTTCACACTCATCCA[C>A]ATCTGATAAACCATAATTCATAAGAAGAAAATCAAAATACAAACTAATTAATTCTACTTC-3'
Protein context (NP_001990.2, residues 1358-1378): VKKGTTGCTD[Val1368Leu]DECEIGAHNC

ClinVar aggregate classification (germline): Uncertain significance (1 of 4 stars; one submission).

Conditions:
Congenital contractural arachnodactyly (CCA). Also called: Arthrogryposis, distal, type 9; BEALS SYNDROME; Beals-Hecht syndrome. Identifiers: Orphanet 115, MedGen C0220668, MONDO:0007363, OMIM 121050.

Submission:

Labcorp Genetics (formerly Invitae), Labcorp
Classification: Uncertain significance for Congenital contractural arachnodactyly. Last evaluated: 2025-06-29. Review status: criteria provided, single submitter. Criteria: Invitae Variant Classification Sherloc (09022015). Collection method: clinical testing. Allele origin: germline.
Comment: This sequence change replaces valine, which is neutral and non-polar, with leucine, which is neutral and non-polar, at codon 1368 of the FBN2 protein (p.Val1368Leu). This variant is not present in population databases (gnomAD no frequency). This variant has not been reported in the literature in individuals affected with FBN2-related conditions. An algorithm developed to predict the effect of missense changes on protein structure and function (PolyPhen-2) suggests that this variant is likely to be tolerated. In summary, the available evidence is currently insufficient to determine the role of this variant in disease. Therefore, it has been classified as a Variant of Uncertain Significance.